The following is an entry in ClinVar:

NM_006767.4(LZTR1):c.1481G>A (p.Arg494Lys)

Gene: LZTR1 (leucine zipper like post translational regulator 1; plus strand). Cytogenetic location: 22q11.21.
Variant type: single nucleotide variant.
Coding change: c.1481G>A on transcript NM_006767.4 (MANE Select); coding-DNA position 1481, G replaced by A.
Protein change: p.Arg494Lys; replaces arginine 494 with lysine.
Molecular consequence: missense variant.
Genome position (GRCh38, 1-based): chr22:20,994,135, G>A. VCF-style: chr22-20994135-G-A. GRCh37 (hg19) VCF-style: chr22-21348424-G-A.
Other names: c.1481G>A (NM_006767.3); short protein forms R494K.
Identifiers: ClinVar variation 2911028 (VCV002911028.4), dbSNP rs1292361888, ClinGen allele CA410775561.
Genomic context (GRCh38, chr22:20,994,135, plus strand): 5'-GGTGTCCTTGAGCTCCCTTCTCCCCACAGAAGCTGGAGCAGGAGGCCGCCCCAGTTCCCA[G>A]GGAGGCCCCCGGCGTGGCTGCTGGTGGGGCCCGGCCGCCCCTGCTGCACGTGGCCATCCG-3'
Protein context (NP_006758.2, residues 484-504): KLEQEAAPVP[Arg494Lys]EAPGVAAGGA

ClinVar aggregate classification (germline): Uncertain significance. Review status: criteria provided, multiple submitters, no conflicts (2 of 4 stars). 2 submissions from 2 submitters: Uncertain significance (2). Last evaluated 2024-12-31.

Conditions:
Hereditary cancer-predisposing syndrome. Also called: Hereditary Cancer Syndrome; Tumor predisposition; Hereditary neoplastic syndrome; Neoplastic Syndromes, Hereditary. Identifiers: Orphanet 140162, MedGen C0027672, MeSH D009386, MONDO:0015356.
Cardiovascular phenotype. Identifiers: MedGen CN230736.

Submissions (2):

Labcorp Genetics (formerly Invitae), Labcorp
Classification: Uncertain significance. Last evaluated: 2024-12-31. Review status: criteria provided, single submitter. Criteria: Invitae Variant Classification Sherloc (09022015). Collection method: clinical testing. Allele origin: germline.
Comment: This sequence change replaces arginine, which is basic and polar, with lysine, which is basic and polar, at codon 494 of the LZTR1 protein (p.Arg494Lys). This variant is not present in population databases (gnomAD no frequency). This variant has not been reported in the literature in individuals affected with LZTR1-related conditions. ClinVar contains an entry for this variant (Variation ID: 2911028). Invitae Evidence Modeling of protein sequence and biophysical properties (such as structural, functional, and spatial information, amino acid conservation, physicochemical variation, residue mobility, and thermodynamic stability) indicates that this missense variant is not expected to disrupt LZTR1 protein function with a negative predictive value of 80%. In summary, the available evidence is currently insufficient to determine the role of this variant in disease. Therefore, it has been classified as a Variant of Uncertain Significance.

Ambry Genetics
Classification: Uncertain significance for Cardiovascular phenotype; Hereditary cancer-predisposing syndrome. Last evaluated: 2023-11-30. Review status: criteria provided, single submitter. Criteria: Ambry Variant Classification Scheme 2023. Collection method: clinical testing. Allele origin: germline.
Comment: The p.R494K variant (also known as c.1481G>A), located in coding exon 14 of the LZTR1 gene, results from a G to A substitution at nucleotide position 1481. The arginine at codon 494 is replaced by lysine, an amino acid with highly similar properties. This amino acid position is conserved. In addition, this alteration is predicted to be tolerated by in silico analysis. Since supporting evidence is limited at this time, the clinical significance of this alteration remains unclear.